The following is an entry in ClinVar:

ClinVar aggregate classification (germline): Uncertain significance (1 of 4 stars; one submission).

Conditions:
Inborn genetic diseases. Identifiers: MedGen C0950123, MeSH D030342.

gnomAD v4.1: 2 of 1,614,124 alleles (0.00012%); highest among the groups gnomAD compares: Non-Finnish European, 0.000085%; no homozygotes.

Submission:

Ambry Genetics
Classification: Uncertain significance for Inborn genetic diseases. Last evaluated: 2025-02-15. Review status: criteria provided, single submitter. Criteria: Ambry Variant Classification Scheme 2023. Collection method: clinical testing. Allele origin: germline.
Comment: The p.E543D variant (also known as c.1629G>T), located in coding exon 7 of the SH2B3 gene, results from a G to T substitution at nucleotide position 1629. The glutamic acid at codon 543 is replaced by aspartic acid, an amino acid with highly similar properties. This amino acid position is conserved. In addition, this alteration is predicted to be tolerated by in silico analysis. Based on the available evidence, the clinical significance of this variant remains unclear.

NM_005475.3(SH2B3):c.1629G>T (p.Glu543Asp)

Gene: SH2B3 (SH2B adaptor protein 3; plus strand). Cytogenetic location: 12q24.12.
Variant type: single nucleotide variant.
Coding change: c.1629G>T on transcript NM_005475.3 (MANE Select); coding-DNA position 1629, G replaced by T.
Protein change: p.Glu543Asp; replaces glutamic acid 543 with aspartic acid.
Molecular consequence: missense variant.
Genome position (GRCh38, 1-based): chr12:111,448,203, G>T. VCF-style: chr12-111448203-G-T. GRCh37 (hg19) VCF-style: chr12-111886007-G-T.
Other names: c.1023G>T, p.Glu341Asp (NM_001291424.1); short protein forms E341D, E543D.
Identifiers: ClinVar variation 3795199 (VCV003795199.1).